The following is an entry in ClinVar:

ClinVar aggregate classification (germline): Uncertain significance (1 of 4 stars; one submission).

Submission:

Greenwood Genetic Center Diagnostic Laboratories, Greenwood Genetic Center
Classification: Uncertain significance. Last evaluated: 2026-06-25. Review status: criteria provided, single submitter. Criteria: ACMG Guidelines, 2015. Collection method: clinical testing. Allele origin: germline.
Comment: PM2, BP4, PP2

NM_003718.5(CDK13):c.497C>T (p.Thr166Met)

Gene: CDK13 (cyclin dependent kinase 13; plus strand). Cytogenetic location: 7p14.1.
Variant type: single nucleotide variant.
Coding change: c.497C>T on transcript NM_003718.5 (MANE Select); coding-DNA position 497, C replaced by T.
Protein change: p.Thr166Met; replaces threonine 166 with methionine.
Molecular consequence: missense variant.
Genome position (GRCh38, 1-based): chr7:39,951,138, C>T. VCF-style: chr7-39951138-C-T. GRCh37 (hg19) VCF-style: chr7-39990737-C-T.
Other names: c.497C>T, p.Thr166Met (NM_031267.4); short protein forms T166M.
Identifiers: ClinVar variation 4891184 (VCV004891184.1).